The following is an entry in ClinVar:

ClinVar aggregate classification (germline): Pathogenic (1 of 4 stars; one submission).

Submission:

Athena Diagnostics
Classification: Pathogenic. Last evaluated: 2021-06-15. Review status: criteria provided, single submitter. Criteria: Athena Diagnostics Criteria. Collection method: clinical testing. Allele origin: unknown.
Comment: This variant is expected to result in the loss of a functional protein. This variant has not been reported in large, multi-ethnic general populations. A similar deletion of exon 67 has been reported in at least one individual with Duchenne muscular dystrophy (DMD).

Literature cited by the submitters: PubMed 31139960; PubMed 26968818; PubMed 31381525.

Single allele

Gene: DMD (dystrophin; minus strand). Cytogenetic location: Xp21.2.
Variant type: Deletion.
Identifiers: ClinVar variation 1807261 (VCV001807261.1).